The following is an entry in ClinVar:

NM_201525.4(ADGRG1):c.1355C>T (p.Thr452Met)

Gene: ADGRG1 (adhesion G protein-coupled receptor G1; plus strand). Cytogenetic location: 16q21.
Variant type: single nucleotide variant.
Coding change: c.1355C>T on transcript NM_201525.4 (MANE Select); coding-DNA position 1355, C replaced by T.
Protein change: p.Thr452Met; replaces threonine 452 with methionine.
Molecular consequence: missense variant.
Genome position (GRCh38, 1-based): chr16:57,659,481, C>T. VCF-style: chr16-57659481-C-T. GRCh37 (hg19) VCF-style: chr16-57693393-C-T.
Other names: c.1355C>T, p.Thr452Met (NM_001145770.3, NM_001145772.3, NM_001145774.3 and 7 more transcripts); c.1373C>T, p.Thr458Met (NM_001145771.3, NM_001370428.1, NM_001370429.1 and 4 more transcripts); c.1370C>T, p.Thr457Met (NM_001145773.3, NM_001370433.1, NM_001370434.1); c.863C>T, p.Thr288Met (NM_001290142.2); c.848C>T, p.Thr283Met (NM_001290143.2); c.830C>T, p.Thr277Met (NM_001290144.2, NM_001370451.1, NM_001370453.1 and 1 more transcripts); c.1352C>T, p.Thr451Met (NM_001370441.1); c.1199C>T, p.Thr400Met (NM_001370442.1); short protein forms T283M, T288M, T452M, T400M, T451M, T457M, T458M, T277M.
Identifiers: ClinVar variation 3714426 (VCV003714426.2).
Genomic context (GRCh38, chr16:57,659,481, plus strand): 5'-CTCGGGACTACACCATCAAGGTGCACATGAACCTGCTGCTGGCCGTCTTCCTGCTGGACA[C>T]GAGCTTCCTGCTCAGCGAGCCGGTGGCCCTGACAGGCTCTGAGGCTGGCTGCCGAGCCAG-3'
Protein context (NP_958933.1, residues 442-462): NLLLAVFLLD[Thr452Met]SFLLSEPVAL

ClinVar aggregate classification (germline): Uncertain significance (1 of 4 stars; one submission).

gnomAD v4.1: 8 of 1,613,766 alleles (0.0005%); highest among the groups gnomAD compares: South Asian, 0.0022%; no homozygotes.

Submission:

Labcorp Genetics (formerly Invitae), Labcorp
Classification: Uncertain significance. Last evaluated: 2024-11-08. Review status: criteria provided, single submitter. Criteria: Invitae Variant Classification Sherloc (09022015). Collection method: clinical testing. Allele origin: germline.
Comment: This sequence change replaces threonine, which is neutral and polar, with methionine, which is neutral and non-polar, at codon 458 of the ADGRG1 protein (p.Thr458Met). This variant is present in population databases (rs746255000, gnomAD 0.006%). This variant has not been reported in the literature in individuals affected with ADGRG1-related conditions. Invitae Evidence Modeling of protein sequence and biophysical properties (such as structural, functional, and spatial information, amino acid conservation, physicochemical variation, residue mobility, and thermodynamic stability) indicates that this missense variant is not expected to disrupt ADGRG1 protein function with a negative predictive value of 95%. In summary, the available evidence is currently insufficient to determine the role of this variant in disease. Therefore, it has been classified as a Variant of Uncertain Significance.